The following is an entry in ClinVar:

ClinVar aggregate classification (germline): Uncertain significance (1 of 4 stars; one submission).

Conditions:
Inborn genetic diseases. Identifiers: MedGen C0950123, MeSH D030342.

gnomAD v4.1: 5 of 1,614,018 alleles (0.00031%); highest among the groups gnomAD compares: Non-Finnish European, 0.00042%; no homozygotes.

Submission:

Ambry Genetics
Classification: Uncertain significance for Inborn genetic diseases. Last evaluated: 2025-07-29. Review status: criteria provided, single submitter. Criteria: Ambry Variant Classification Scheme 2023. Collection method: clinical testing. Allele origin: germline.
Comment: The c.644+3G>T intronic variant results from a G to T substitution 3 nucleotides after coding exon 7 in the DDX41 gene. This nucleotide position is not well conserved in available vertebrate species. In silico splice site analysis predicts that this alteration will weaken the native splice donor site; however, direct evidence is insufficient at this time (Ambry internal data). Based on the available evidence, the clinical significance of this variant remains unclear.

NM_016222.4(DDX41):c.644+3G>T

Gene: DDX41 (DEAD-box helicase 41; minus strand). Cytogenetic location: 5q35.3.
Variant type: single nucleotide variant.
Coding change: c.644+3G>T on transcript NM_016222.4 (MANE Select); 3 bases into the intron after coding-DNA position 644, G replaced by T.
Molecular consequence: intron variant.
Genome position (GRCh38, 1-based): chr5:177,515,183, C>A on the plus strand (G>T on the coding strand, the complement: DDX41 is on the minus strand). VCF-style: chr5-177515183-C-A. GRCh37 (hg19) VCF-style: chr5-176942184-C-A.
Other names: c.266+3G>T (NM_001321830.2, NM_001321732.2).
Identifiers: ClinVar variation 4238729 (VCV004238729.1).
Genomic context (GRCh38, chr5:177,515,183, plus strand): 5'-TAGCCATTGCTCCTCCCTGTTCCAGCCCTCCTCAAGGACCCCAGGTCCACAGTCCACACT[C>A]ACATGGTGGGGATGCCCTGGATCTGAATGGGTGTTGGGTGGTGAATGCCTTTCTTCTTCA-3'